The following is an entry in ClinVar:

NM_025137.4(SPG11):c.339G>C (p.Leu113=)

Gene: SPG11 (SPG11 vesicle trafficking associated, spatacsin; minus strand). Cytogenetic location: 15q21.1.
Variant type: single nucleotide variant.
Coding change: c.339G>C on transcript NM_025137.4 (MANE Select); coding-DNA position 339, G replaced by C.
Protein change: p.Leu113=; no amino-acid change (leucine 113 retained).
Molecular consequence: synonymous variant.
Genome position (GRCh38, 1-based): chr15:44,660,535, C>G on the plus strand (G>C on the coding strand, the complement: SPG11 is on the minus strand). VCF-style: chr15-44660535-C-G. GRCh37 (hg19) VCF-style: chr15-44952733-C-G.
Other names: c.339G>C, p.Leu113= (NM_001160227.2).
Identifiers: ClinVar variation 705486 (VCV000705486.30), dbSNP rs373238538, ClinGen allele CA7535864.

ClinVar aggregate classification (germline): Likely benign. Review status: criteria provided, multiple submitters, no conflicts (2 of 4 stars). 2 submissions from 2 submitters: Likely benign (2). Last evaluated 2024-02-09.

Conditions:
Hereditary spastic paraplegia 11. Also called: Spastic Paraplegia 11; SPASTIC PARAPLEGIA, AUTOSOMAL RECESSIVE, COMPLICATED, WITH THIN CORPUS CALLOSUM; SPASTIC PARAPLEGIA, AUTOSOMAL RECESSIVE, WITH MENTAL IMPAIRMENT AND THIN CORPUS CALLOSUM; Nakamura Osame syndrome; Autosomal recessive hereditary spastic paraplegia, mental impairment, and thin corpus callosum; Spastic paraplegia, mental retardation and thin corpus callosum. Identifiers: Orphanet 2822, MedGen C1858479, MONDO:0011445, OMIM 604360.

Allele frequency attached by ClinVar (database versions not stated): TOPMed 0.00001.
gnomAD v4.1: 25 of 1,613,982 alleles (0.0015%); highest among the groups gnomAD compares: Admixed American, 0.012%; no homozygotes.

Submissions (2):

Labcorp Genetics (formerly Invitae), Labcorp
Classification: Likely benign for Hereditary spastic paraplegia 11. Last evaluated: 2024-02-09. Review status: criteria provided, single submitter. Criteria: Invitae Variant Classification Sherloc (09022015). Collection method: clinical testing. Allele origin: germline.

CeGaT Center for Human Genetics Tuebingen
Classification: Likely benign. Last evaluated: 2023-08-01. Review status: criteria provided, single submitter. Criteria: CeGaT Center For Human Genetics Tuebingen Variant Classification Criteria Version 2. Collection method: clinical testing. Allele origin: germline. Affected: yes. Observed: 1 variant allele.
Comment: SPG11: BP4, BP7